The following is an entry in ClinVar:

ClinVar aggregate classification (germline): Pathogenic (1 of 4 stars; one submission).

Conditions:
Primary ciliary dyskinesia 3. Identifiers: Orphanet 244, MedGen C1837618, MONDO:0012085, OMIM 608644.

Submission:

Myriad Genetics, Inc.
Classification: Pathogenic for Primary ciliary dyskinesia 3. Last evaluated: 2024-05-14. Review status: criteria provided, single submitter. Criteria: Myriad Autosomal Dominant, Autosomal Recessive and X-Linked Classification Criteria (2023). Collection method: clinical testing. Allele origin: unknown.
Comment: NM_001369.2(DNAH5):c.673del1ins17(K225Cfs*3) is expected to be pathogenic in the context of primary ciliary dyskinesia, DNAH5-related. This variant is predicted to lead to an abnormal or absent protein product due to the creation of a premature termination codon in DNAH5, a gene where loss-of-function variants are known to be pathogenic. Please note: this variant was assessed in the context of healthy population screening.

NM_001369.3(DNAH5):c.673delinsTGTGTATAAGAGACAGT (p.Lys225delinsCysValTer)

Gene: DNAH5 (dynein axonemal heavy chain 5; minus strand). Cytogenetic location: 5p15.2.
Variant type: Indel.
Coding change: c.673delinsTGTGTATAAGAGACAGT on transcript NM_001369.3 (MANE Select); coding-DNA position 673, A replaced by TGTGTATAAGAGACAGT.
Protein change: p.Lys225delinsCysValTer.
Molecular consequence: nonsense.
Genome position (GRCh38, 1-based): chr5:13,920,605, T replaced by ACTGTCTCTTATACACA on the plus strand (A replaced by TGTGTATAAGAGACAGT on the coding strand, the reverse complement: DNAH5 is on the minus strand). VCF-style: chr5-13920605-T-ACTGTCTCTTATACACA. GRCh37 (hg19) VCF-style: chr5-13920714-T-ACTGTCTCTTATACACA.
Identifiers: ClinVar variation 5011103 (VCV005011103.1).